The following is an entry in ClinVar:

ClinVar aggregate classification (germline): Benign/Likely benign. Review status: criteria provided, multiple submitters, no conflicts (2 of 4 stars). 9 submissions from 9 submitters: Benign (4); Likely benign (2). 3 of the submissions do not count toward it. Last evaluated 2024-11-11.

Conditions:
Cardiovascular phenotype. Identifiers: MedGen CN230736.

Submissions (9):

Blueprint Genetics
Classification: Likely benign. Last evaluated: 2024-11-11. Review status: criteria provided, single submitter. Criteria: ACMG Guidelines, 2015. Collection method: clinical testing. Allele origin: germline.

CeGaT Center for Human Genetics Tuebingen
Classification: Likely benign. Last evaluated: 2023-11-01. Review status: criteria provided, single submitter. Criteria: CeGaT Center For Human Genetics Tuebingen Variant Classification Criteria Version 2. Collection method: clinical testing. Allele origin: germline. Affected: yes. Observed: 1 variant allele.
Comment: ALMS1: BS2

Women's Health and Genetics/Laboratory Corporation of America, LabCorp
Classification: Benign. Last evaluated: 2020-08-17. Review status: criteria provided, single submitter. Criteria: LabCorp Variant Classification Summary - May 2015. Collection method: clinical testing. Allele origin: germline.
Comment: Variant summary: ALMS1 c.60_74del15 (p.Glu24_Glu28del) results in an in-frame deletion that is predicted to remove 5 amino acids in a Glu repeat polymorphic region. The variant allele was found at a frequency of 0.012 in 27198 control chromosomes, predominantly at a frequency of 0.039 within the African or African-American subpopulation in the gnomAD database, including 8 homozygotes. The observed variant frequency within African or African-American control individuals in the gnomAD database is approximately 17 fold of the estimated maximal expected allele frequency for a pathogenic variant in ALMS1 causing Cardiomyopathy phenotype (0.0022), strongly suggesting that the variant is a benign polymorphism found primarily in populations of African or African-American origin. Two clinical diagnostic laboratories have submitted clinical-significance assessments for this variant to ClinVar after 2014 without evidence for independent evaluation. One laboratory classified the variant as likely benign, and one laboratory classified the variant as uncertain significance. Based on the evidence outlined above, the variant was classified as benign.

GeneDx
Classification: Benign. Last evaluated: 2019-04-30. Review status: criteria provided, single submitter. Criteria: GeneDx Variant Classification Process June 2021. Collection method: clinical testing. Allele origin: germline. Affected: yes.

Ambry Genetics
Classification: Benign for Cardiovascular phenotype. Last evaluated: 2019-01-07. Review status: criteria provided, single submitter. Criteria: Ambry Variant Classification Scheme 2023. Collection method: clinical testing. Allele origin: germline.

Genetic Services Laboratory, University of Chicago
Classification: Benign. Last evaluated: 2018-11-19. Review status: criteria provided, single submitter. Criteria: ACMG Guidelines, 2015. Collection method: clinical testing. Allele origin: germline. Affected: no.

Clinical Genetics, Academic Medical Center
Classification: Likely benign. Review status: no assertion criteria provided. Collection method: clinical testing. Allele origin: germline. Affected: yes. Study: VKGL Data-share Consensus. Not counted in ClinVar's aggregate classification.

Genome Diagnostics Laboratory, University Medical Center Utrecht
Classification: Likely benign. Review status: no assertion criteria provided. Collection method: clinical testing. Allele origin: germline. Affected: yes. Study: VKGL Data-share Consensus. Not counted in ClinVar's aggregate classification.

Joint Genome Diagnostic Labs from Nijmegen and Maastricht, Radboudumc and MUMC+
Classification: Likely benign. Review status: no assertion criteria provided. Collection method: clinical testing. Allele origin: germline. Affected: yes. Study: VKGL Data-share Consensus. Not counted in ClinVar's aggregate classification.

Literature cited by the submitters: PubMed 25419514 (cited by Women's Health and Genetics/Laboratory Corporation of America, LabCorp).

NM_001378454.1(ALMS1):c.36GGA[9] (p.Glu25_Glu28del)

Gene: ALMS1 (ALMS1 centrosome and basal body associated protein; plus strand). Cytogenetic location: 2p13.1.
Variant type: Microsatellite.
Coding change: c.36GGA[9] on transcript NM_001378454.1 (MANE Select); nine copies in a row of the 3-base unit GGA starting at c.36; the reference has 13 copies in a row; four copies, 12 bases deleted.
Protein change: p.Glu25_Glu28del.
Molecular consequence: inframe deletion.
Genome position (GRCh38, 1-based): chr2:73,385,931-73,385,942, GGAGGAGGAGGA deleted; deleting any 12 consecutive bases within chr2:73,385,904-73,385,942 gives the same sequence; the position shown is the placement nearest the transcript's 3' end. VCF-style (leftmost placement, unchanged base first): chr2-73385903-TGGAGGAGGAGGA-T. GRCh37 (hg19) VCF-style: chr2-73613031-TGGAGGAGGAGGA-T.
Other names: c.60_74del15 (NM_015120.4); c.63_77del (NM_015120.4); c.36GGA[10], p.Glu26_Glu29del (NM_015120.4); c.63_77delGGAGGAGGAGGAGGA (NM_015120.4).
Identifiers: ClinVar variation 241008 (VCV000241008.38), dbSNP rs55889738, ClinGen allele CA1712722.